The following is an entry in ClinVar:

ClinVar aggregate classification (germline): Uncertain significance. Review status: criteria provided, multiple submitters, no conflicts (2 of 4 stars). 3 submissions from 3 submitters: Uncertain significance (2). 1 of the submissions does not count toward it. Last evaluated 2025-12-31.

Conditions:
Progressive sclerosing poliodystrophy (MTDPS4A). Also called: NEURONAL DEGENERATION OF CHILDHOOD WITH LIVER DISEASE, PROGRESSIVE; Alpers Syndrome; Alpers-Huttenlocher Syndrome (AHS); ALPERS PROGRESSIVE INFANTILE POLIODYSTROPHY; Mitochondrial DNA Depletion Syndrome 4A; ALPERS DIFFUSE DEGENERATION OF CEREBRAL GRAY MATTER WITH HEPATIC CIRRHOSIS. Identifiers: Orphanet 726, MedGen C0205710, MONDO:0008758, OMIM 203700.

Submissions (3):

Labcorp Genetics (formerly Invitae), Labcorp
Classification: Uncertain significance for Progressive sclerosing poliodystrophy. Last evaluated: 2025-12-31. Review status: criteria provided, single submitter. Criteria: Invitae Variant Classification Sherloc (09022015). Collection method: clinical testing. Allele origin: germline.
Comment: This sequence change replaces histidine, which is basic and polar, with leucine, which is neutral and non-polar, at codon 828 of the POLG protein (p.His828Leu). This variant is not present in population databases (gnomAD no frequency). This variant has not been reported in the literature in individuals affected with POLG-related conditions. ClinVar contains an entry for this variant (Variation ID: 843452). An algorithm developed to predict the effect of missense changes on protein structure and function (PolyPhen-2) suggests that this variant is likely to be disruptive. In summary, the available evidence is currently insufficient to determine the role of this variant in disease. Therefore, it has been classified as a Variant of Uncertain Significance.

Baylor Genetics
Classification: Uncertain significance for Progressive sclerosing poliodystrophy. Last evaluated: 2020-12-05. Review status: criteria provided, single submitter. Criteria: ACMG Guidelines, 2015. Collection method: clinical testing. Allele origin: unknown. Affected: yes.
Comment: This variant was determined to be of uncertain significance according to ACMG Guidelines, 2015 [PMID:25741868].

Department of Pathology and Laboratory Medicine, Sinai Health System
Classification: Uncertain significance. Review status: no assertion criteria provided. Collection method: clinical testing. Allele origin: unknown. Affected: yes. Study: The Canadian Open Genetics Repository (COGR). Not counted in ClinVar's aggregate classification.
Comment: The POLG p.His828Leu variant was not identified in the literature nor was it identified in dbSNP, ClinVar, LOVD 3.0 or in the following control databases: the 1000 Genomes Project, the NHLBI GO Exome Sequencing Project, the Exome Aggregation Consortium (August 8th 2016), or the Genome Aggregation Database (Feb 27, 2017).The p.His828 residue is conserved in mammals and computational analyses (PolyPhen-2, SIFT, AlignGVGD, BLOSUM, MutationTaster) provide inconsistent predictions regarding the impact to the protein; this information is not very predictive of pathogenicity. The variant occurs outside of the splicing consensus sequence and in silico or computational prediction software programs (SpliceSiteFinder, MaxEntScan, NNSPLICE, GeneSplicer) do not predict a difference in splicing. In summary, based on the above information the clinical significance of this variant cannot be determined with certainty at this time. This variant is classified as a variant of uncertain significance.

NM_002693.3(POLG):c.2483A>T (p.His828Leu)

Gene: POLG (DNA polymerase gamma, catalytic subunit; minus strand). Cytogenetic location: 15q26.1.
Variant type: single nucleotide variant.
Coding change: c.2483A>T on transcript NM_002693.3 (MANE Select); coding-DNA position 2483, A replaced by T.
Protein change: p.His828Leu; replaces histidine 828 with leucine.
Molecular consequence: missense variant.
Genome position (GRCh38, 1-based): chr15:89,321,851, T>A on the plus strand (A>T on the coding strand, the complement: POLG is on the minus strand). VCF-style: chr15-89321851-T-A. GRCh37 (hg19) VCF-style: chr15-89865082-T-A.
Other names: c.2483A>T, p.His828Leu (NM_001126131.2); short protein forms H828L.
Identifiers: ClinVar variation 843452 (VCV000843452.12), dbSNP rs533807211, ClinGen allele CA393754795.